The following is an entry in ClinVar:

ClinVar aggregate classification (germline): Uncertain significance (1 of 4 stars; one submission).

Allele frequency attached by ClinVar (database versions not stated): gnomAD exomes below 0.00001; gnomAD 0.00001; TOPMed 0.00001.
gnomAD v4.1: 4 of 1,613,804 alleles (0.00025%); highest among the groups gnomAD compares: Non-Finnish European, 0.00034%; no homozygotes.

Submission:

Labcorp Genetics (formerly Invitae), Labcorp
Classification: Uncertain significance. Last evaluated: 2024-10-13. Review status: criteria provided, single submitter. Criteria: Invitae Variant Classification Sherloc (09022015). Collection method: clinical testing. Allele origin: germline.
Comment: This sequence change replaces threonine, which is neutral and polar, with alanine, which is neutral and non-polar, at codon 461 of the POLG2 protein (p.Thr461Ala). This variant is not present in population databases (gnomAD no frequency). This variant has not been reported in the literature in individuals affected with POLG2-related conditions. ClinVar contains an entry for this variant (Variation ID: 1939464). An algorithm developed to predict the effect of missense changes on protein structure and function (PolyPhen-2) suggests that this variant is likely to be tolerated. In summary, the available evidence is currently insufficient to determine the role of this variant in disease. Therefore, it has been classified as a Variant of Uncertain Significance.

NM_007215.4(POLG2):c.1381A>G (p.Thr461Ala)

Genes: MILR1 (mast cell immunoglobulin like receptor 1; plus strand), POLG2 (DNA polymerase gamma 2, accessory subunit; minus strand). Cytogenetic location: 17q23.3.
Variant type: single nucleotide variant.
Coding change: c.1381A>G on transcript NM_007215.4 (MANE Select); coding-DNA position 1381, A replaced by G.
Protein change: p.Thr461Ala; replaces threonine 461 with alanine.
Molecular consequence: missense variant.
Genome position (GRCh38, 1-based): chr17:64,477,900, T>C on the plus strand (A>G on the coding strand, the complement: POLG2 is on the minus strand). VCF-style: chr17-64477900-T-C. GRCh37 (hg19) VCF-style: chr17-62474017-T-C.
Other names: short protein forms T461A.
Identifiers: ClinVar variation 1939464 (VCV001939464.5), dbSNP rs1272368503, ClinGen allele CA400635398.